The following is an entry in ClinVar:

ClinVar aggregate classification (germline): Uncertain significance (1 of 4 stars; one submission).

Conditions:
Inborn genetic diseases. Identifiers: MedGen C0950123, MeSH D030342.

Submission:

Ambry Genetics
Classification: Uncertain significance for Inborn genetic diseases. Last evaluated: 2025-02-14. Review status: criteria provided, single submitter. Criteria: Ambry Variant Classification Scheme 2023. Collection method: clinical testing. Allele origin: germline.
Comment: The p.P195T variant (also known as c.583C>A), located in coding exon 4 of the MECOM gene, results from a C to A substitution at nucleotide position 583. The proline at codon 195 is replaced by threonine, an amino acid with highly similar properties. This amino acid position is conserved. In addition, this alteration is predicted to be tolerated by in silico analysis. Based on the available evidence, the clinical significance of this variant remains unclear.

NM_004991.4(MECOM):c.583C>A (p.Pro195Thr)

Gene: MECOM (MDS1 and EVI1 complex locus; minus strand). Cytogenetic location: 3q26.2.
Variant type: single nucleotide variant.
Coding change: c.583C>A on transcript NM_004991.4 (MANE Select); coding-DNA position 583, C replaced by A.
Protein change: p.Pro195Thr; replaces proline 195 with threonine.
Molecular consequence: missense variant.
Genome position (GRCh38, 1-based): chr3:169,131,459, G>T on the plus strand (C>A on the coding strand, the complement: MECOM is on the minus strand). VCF-style: chr3-169131459-G-T. GRCh37 (hg19) VCF-style: chr3-168849247-G-T.
Other names: c.211C>A, p.Pro71Thr (NM_001105077.4); c.19C>A, p.Pro7Thr (NM_001105078.4, NM_001163999.2, NM_001164000.2 and 9 more transcripts); c.583C>A, p.Pro195Thr (NM_001366466.2, NM_001366473.2); short protein forms P71T, P7T, P195T.
Identifiers: ClinVar variation 3871831 (VCV003871831.1).